The following is an entry in ClinVar:

ClinVar aggregate classification (germline): Conflicting classifications of pathogenicity. Review status: criteria provided, conflicting classifications (1 of 4 stars). 5 submissions from 5 submitters: Uncertain significance (1); Benign (1); Likely benign (3). Last evaluated 2025-10-01.

Conditions:
Hereditary cancer-predisposing syndrome. Also called: Tumor predisposition; Neoplastic Syndromes, Hereditary; Hereditary Cancer Syndrome; Hereditary neoplastic syndrome. Identifiers: Orphanet 140162, MedGen C0027672, MeSH D009386, MONDO:0015356.
Tuberous sclerosis syndrome (TSC). Also called: Tuberous Sclerosis Complex; Tuberous sclerosis. Identifiers: Orphanet 805, MedGen C0041341, MONDO:0001734.
Tuberous sclerosis 2 (TSC2). Identifiers: Orphanet 805, MedGen C1860707, MONDO:0013199, OMIM 613254.

Allele frequency attached by ClinVar (database versions not stated): ESP Exome Variant Server 0.00008; gnomAD 0.00013.
gnomAD v4.1: 6 of 1,601,388 alleles (0.00037%); highest among the groups gnomAD compares: African/African-American, 0.008%; no homozygotes.

Submissions (5):

Labcorp Genetics (formerly Invitae), Labcorp
Classification: Likely benign for Tuberous sclerosis 2. Last evaluated: 2025-10-01. Review status: criteria provided, single submitter. Criteria: Invitae Variant Classification Sherloc (09022015). Collection method: clinical testing. Allele origin: germline.

All of Us Research Program, National Institutes of Health
Classification: Uncertain significance for Tuberous sclerosis syndrome. Last evaluated: 2023-11-20. Review status: criteria provided, single submitter. Criteria: ACMG Guidelines, 2015. Collection method: clinical testing. Allele origin: germline. Inheritance: Autosomal dominant inheritance. Observed: 1 variant allele, 1 heterozygote.
Comment: This variant is located in the TSC2 protein. To our knowledge, functional studies have not been reported for this variant. This variant has not been reported in individuals affected with TSC2-related disorders in the literature. This variant has been identified in 5/269612 chromosomes in the general population by the Genome Aggregation Database (gnomAD). The available evidence is insufficient to determine the role of this variant in disease conclusively. Therefore, this variant is classified as a Variant of Uncertain Significance.

This study involves interpretation of variants in research participants for the purpose of population health screening. Participant phenotype was not available at the time of variant classification. Additional details can be found in publication PMID: 35346344, PMCID: PMC8962531

Genome-Nilou Lab
Classification: Benign for Tuberous sclerosis 2. Last evaluated: 2021-11-07. Review status: criteria provided, single submitter. Criteria: ACMG Guidelines, 2015. Collection method: clinical testing. Allele origin: germline. Affected: no.

GeneDx
Classification: Likely benign. Last evaluated: 2021-03-08. Review status: criteria provided, single submitter. Criteria: GeneDx Variant Classification Process June 2021. Collection method: clinical testing. Allele origin: germline. Affected: yes.

Ambry Genetics
Classification: Likely benign for Hereditary cancer-predisposing syndrome. Last evaluated: 2016-11-02. Review status: criteria provided, single submitter. Criteria: Ambry Variant Classification Scheme 2023. Collection method: clinical testing. Allele origin: germline.

NM_000548.5(TSC2):c.4398G>T (p.Ser1466=)

Gene: TSC2 (TSC complex subunit 2; plus strand). Cytogenetic location: 16p13.3.
Variant type: single nucleotide variant.
Coding change: c.4398G>T on transcript NM_000548.5 (MANE Select); coding-DNA position 4398, G replaced by T.
Protein change: p.Ser1466=; no amino-acid change (serine 1466 retained).
Molecular consequence: synonymous variant.
Genome position (GRCh38, 1-based): chr16:2,084,620, G>T. VCF-style: chr16-2084620-G-T. GRCh37 (hg19) VCF-style: chr16-2134621-G-T.
Other names: c.4197G>T, p.Ser1399= (NM_001077183.3); c.4329G>T, p.Ser1443= (NM_001114382.3); c.4089G>T, p.Ser1363= (NM_001318827.2); c.4053G>T, p.Ser1351= (NM_001318829.2); c.3666G>T, p.Ser1222= (NM_001318831.2); c.4230G>T, p.Ser1410= (NM_001318832.2); c.4200G>T, p.Ser1400= (NM_001363528.2); c.4266G>T, p.Ser1422= (NM_001370404.1); and 1 more.
Identifiers: ClinVar variation 486681 (VCV000486681.19), dbSNP rs376086638, ClinGen allele CA051031.